The following is an entry in ClinVar:

NM_001134407.3(GRIN2A):c.4031T>C (p.Phe1344Ser)

Gene: GRIN2A (glutamate ionotropic receptor NMDA type subunit 2A; minus strand). Cytogenetic location: 16p13.2.
Variant type: single nucleotide variant.
Coding change: c.4031T>C on transcript NM_001134407.3 (MANE Select); coding-DNA position 4031, T replaced by C.
Protein change: p.Phe1344Ser; replaces phenylalanine 1344 with serine.
Molecular consequence: missense variant. On other transcripts: intron variant (1).
Genome position (GRCh38, 1-based): chr16:9,763,513, A>G on the plus strand (T>C on the coding strand, the complement: GRIN2A is on the minus strand). VCF-style: chr16-9763513-A-G. GRCh37 (hg19) VCF-style: chr16-9857370-A-G.
Other names: c.4031T>C, p.Phe1344Ser (NM_000833.5); c.3773-85T>C (NM_001134408.2); short protein forms F1344S.
Identifiers: ClinVar variation 2127979 (VCV002127979.4), dbSNP rs1596374520, ClinGen allele CA394706256.

ClinVar aggregate classification (germline): Uncertain significance (1 of 4 stars; one submission).

Conditions:
Landau-Kleffner syndrome (FESD). Also called: EPILEPSY, FOCAL, WITH SPEECH DISORDER AND WITH OR WITHOUT MENTAL RETARDATION; APHASIA, ACQUIRED, WITH EPILEPSY. Identifiers: Orphanet 1945, Orphanet 725, Orphanet 98818, MedGen C0282512, MONDO:0009509, OMIM 245570.

gnomAD v4.1: 1 of 1,613,944 alleles (0.000062%); highest among the groups gnomAD compares: African/African-American, 0.0013%; no homozygotes.

Submission:

Labcorp Genetics (formerly Invitae), Labcorp
Classification: Uncertain significance for Landau-Kleffner syndrome. Last evaluated: 2022-04-19. Review status: criteria provided, single submitter. Criteria: Invitae Variant Classification Sherloc (09022015). Collection method: clinical testing. Allele origin: germline.
Comment: This variant has not been reported in the literature in individuals affected with GRIN2A-related conditions. This variant is not present in population databases (gnomAD no frequency). This sequence change replaces phenylalanine, which is neutral and non-polar, with serine, which is neutral and polar, at codon 1344 of the GRIN2A protein (p.Phe1344Ser). In summary, the available evidence is currently insufficient to determine the role of this variant in disease. Therefore, it has been classified as a Variant of Uncertain Significance. Advanced modeling of protein sequence and biophysical properties (such as structural, functional, and spatial information, amino acid conservation, physicochemical variation, residue mobility, and thermodynamic stability) performed at Invitae indicates that this missense variant is not expected to disrupt GRIN2A protein function.